The following is an entry in ClinVar:

ClinVar aggregate classification (germline): Likely benign (1 of 4 stars; one submission).

Submission:

GeneDx
Classification: Likely benign. Last evaluated: 2020-01-12. Review status: criteria provided, single submitter. Criteria: GeneDx Variant Classification Process June 2021. Collection method: clinical testing. Allele origin: germline. Affected: yes.
Comment: See Variant Classification Assertion Criteria.

NM_007262.5(PARK7):c.252+46dup

Gene: PARK7 (Parkinsonism associated deglycase; plus strand). Cytogenetic location: 1p36.23.
Variant type: Duplication.
Coding change: c.252+46dup on transcript NM_007262.5 (MANE Select); 46 bases into the intron after coding-DNA position 252, one base duplicated (G; older notation c.252+46dupG).
Molecular consequence: intron variant.
Genome position (GRCh38, 1-based): chr1:7,969,450, G duplicated; the last of 10 consecutive G bases (chr1:7,969,441-7,969,450); duplicating any one gives the same sequence. VCF-style (leftmost placement, unchanged base first): chr1-7969440-T-TG. GRCh37 (hg19) VCF-style: chr1-8029500-T-TG.
Other names: c.252+46dup (NM_001123377.2).
Identifiers: ClinVar variation 1684093 (VCV001684093.2), dbSNP rs147617838, ClinGen allele CA569504.